The following is an entry in ClinVar:

ClinVar aggregate classification (germline): Uncertain significance. Review status: criteria provided, multiple submitters, no conflicts (2 of 4 stars). 4 submissions from 4 submitters: Uncertain significance (4). Last evaluated 2025-10-11.

Conditions:
CHEK2-related cancer predisposition (TPDS4). Also called: CHEK2-related cancer susceptibility; TUMOR PREDISPOSITION SYNDROME 4; CANCER PREDISPOSITION SYNDROME, CHEK2-RELATED. Identifiers: Orphanet 524, MedGen C5882668, MONDO:0700271, OMIM 609265.
Familial prostate cancer. Also called: Hereditary Prostate Cancer. Identifiers: MedGen C2931456, MONDO:0700275, OMIM 176807.
Bone osteosarcoma. Also called: Osteosarcoma, somatic. Identifiers: Orphanet 668, MedGen C0585442, MONDO:0002629, OMIM 259500.
Hereditary cancer-predisposing syndrome. Also called: Hereditary Cancer Syndrome; Neoplastic Syndromes, Hereditary; Tumor predisposition; Hereditary neoplastic syndrome. Identifiers: Orphanet 140162, MedGen C0027672, MeSH D009386, MONDO:0015356.
Familial cancer of breast. Also called: Hereditary breast cancer; hereditary breast carcinoma; BREAST CANCER, FAMILIAL. Identifiers: Orphanet 227535, MedGen C0346153, MONDO:0016419, OMIM 114480. Disease mechanism: loss of function.

Allele frequency attached by ClinVar (database versions not stated): gnomAD exomes below 0.00001.
gnomAD v4.1: 1 of 1,611,416 alleles (0.000062%); highest among the groups gnomAD compares: Non-Finnish European, 0.000085%; no homozygotes.

Submissions (4):

Ambry Genetics
Classification: Uncertain significance for Hereditary cancer-predisposing syndrome. Last evaluated: 2025-10-11. Review status: criteria provided, single submitter. Criteria: Ambry Variant Classification Scheme 2023. Collection method: clinical testing. Allele origin: germline.
Comment: The p.A230V variant (also known as c.689C>T), located in coding exon 5 of the CHEK2 gene, results from a C to T substitution at nucleotide position 689. The alanine at codon 230 is replaced by valine, an amino acid with similar properties. This amino acid position is highly conserved in available vertebrate species. In addition, this alteration is predicted to be deleterious by in silico analysis. Since supporting evidence is limited at this time, the clinical significance of this alteration remains unclear.

Labcorp Genetics (formerly Invitae), Labcorp
Classification: Uncertain significance for Familial cancer of breast. Last evaluated: 2025-07-30. Review status: criteria provided, single submitter. Criteria: Invitae Variant Classification Sherloc (09022015). Collection method: clinical testing. Allele origin: germline.
Comment: This sequence change replaces alanine, which is neutral and non-polar, with valine, which is neutral and non-polar, at codon 230 of the CHEK2 protein (p.Ala230Val). This variant is not present in population databases (gnomAD no frequency). This variant has not been reported in the literature in individuals affected with CHEK2-related conditions. ClinVar contains an entry for this variant (Variation ID: 182428). An algorithm developed to predict the effect of missense changes on protein structure and function (PolyPhen-2) suggests that this variant is likely to be tolerated. In summary, the available evidence is currently insufficient to determine the role of this variant in disease. Therefore, it has been classified as a Variant of Uncertain Significance.

Fulgent Genetics
Classification: Uncertain significance for Familial prostate cancer; Bone osteosarcoma; CHEK2-related cancer predisposition. Last evaluated: 2024-01-19. Review status: criteria provided, single submitter. Criteria: ACMG Guidelines, 2015. Collection method: clinical testing. Allele origin: germline.

GeneDx
Classification: Uncertain significance. Last evaluated: 2016-03-14. Review status: criteria provided, single submitter. Criteria: GeneDx Variant Classification (06012015). Collection method: clinical testing. Allele origin: germline. Affected: yes.
Comment: This variant is denoted CHEK2 c.689C>T at the cDNA level, p.Ala230Val (A230V) at the protein level, and results in the change of an Alanine to a Valine (GCC>GTC). This variant has not, to our knowledge, been published in the literature as pathogenic or benign. CHEK2 Ala230Val was not observed in approximately 6,500 individuals of European and African American ancestry in the NHLBI Exome Sequencing Project, suggesting it is not a common benign variant in these populations. Since Alanine and Valine share similar properties, this is considered a conservative amino acid substitution. CHEK2 Ala230Val occurs at a position that is conserved across species and is located within the protein kinase domain (Desrichard 2011, Roeb 2012). In silico analyses are inconsistent regarding the effect this variant may have on protein structure and function. Based on currently available information, it is unclear whether CHEK2 Ala230Val is pathogenic or benign. We consider it to be a variant of uncertain significance.

NM_007194.4(CHEK2):c.689C>T (p.Ala230Val)

Gene: CHEK2 (checkpoint kinase 2; minus strand). Cytogenetic location: 22q12.1.
Variant type: single nucleotide variant.
Coding change: c.689C>T on transcript NM_007194.4 (MANE Select); coding-DNA position 689, C replaced by T.
Protein change: p.Ala230Val; replaces alanine 230 with valine.
Molecular consequence: missense variant.
Genome position (GRCh38, 1-based): chr22:28,712,012, G>A on the plus strand (C>T on the coding strand, the complement: CHEK2 is on the minus strand). VCF-style: chr22-28712012-G-A. GRCh37 (hg19) VCF-style: chr22-29108000-G-A.
Other names: p.A230V:GCC>GTC; c.818C>T, p.Ala273Val (NM_001005735.3); c.26C>T, p.Ala9Val (NM_001257387.3); c.488C>T, p.Ala163Val (NM_001349956.3); c.689C>T, p.Ala230Val (NM_145862.3); short protein forms A230V, A273V, A9V, A163V.
Identifiers: ClinVar variation 182428 (VCV000182428.15), dbSNP rs730881685, ClinGen allele CA299069.